The following is an entry in ClinVar:

ClinVar aggregate classification (germline): Uncertain significance (1 of 4 stars; one submission).

Conditions:
Autosomal dominant hypocalcemia 1 (HYPOC1). Also called: HYPOCALCEMIA, FAMILIAL. Identifiers: MedGen C3715128, MONDO:0011013, OMIM 601198.
Familial hypocalciuric hypercalcemia (FHH). Also called: Familial benign hypercalcemia. Identifiers: Orphanet 405, MedGen C1809471, MONDO:0018458.

Submission:

Labcorp Genetics (formerly Invitae), Labcorp
Classification: Uncertain significance for Familial hypocalciuric hypercalcemia; Autosomal dominant hypocalcemia 1. Last evaluated: 2023-07-19. Review status: criteria provided, single submitter. Criteria: Invitae Variant Classification Sherloc (09022015). Collection method: clinical testing. Allele origin: germline.
Comment: An algorithm developed to predict the effect of missense changes on protein structure and function (PolyPhen-2) suggests that this variant is likely to be disruptive. This variant has not been reported in the literature in individuals affected with CASR-related conditions. This variant is not present in population databases (gnomAD no frequency). This sequence change replaces valine, which is neutral and non-polar, with alanine, which is neutral and non-polar, at codon 313 of the CASR protein (p.Val313Ala). In summary, the available evidence is currently insufficient to determine the role of this variant in disease. Therefore, it has been classified as a Variant of Uncertain Significance.

NM_000388.4(CASR):c.938T>C (p.Val313Ala)

Gene: CASR (calcium sensing receptor; plus strand). Cytogenetic location: 3q21.1.
Variant type: single nucleotide variant.
Coding change: c.938T>C on transcript NM_000388.4 (MANE Select); coding-DNA position 938, T replaced by C.
Protein change: p.Val313Ala; replaces valine 313 with alanine.
Molecular consequence: missense variant.
Genome position (GRCh38, 1-based): chr3:122,261,973, T>C. VCF-style: chr3-122261973-T-C. GRCh37 (hg19) VCF-style: chr3-121980820-T-C.
Other names: c.938T>C, p.Val313Ala (NM_001178065.2); short protein forms V313A.
Identifiers: ClinVar variation 2929878 (VCV002929878.3), dbSNP rs2473227301, ClinGen allele CA354151683.